The following is an entry in ClinVar:

ClinVar aggregate classification (germline): Uncertain significance. Review status: criteria provided, multiple submitters, no conflicts (2 of 4 stars). 3 submissions from 3 submitters: Uncertain significance (3). Last evaluated 2024-04-02.

Conditions:
Cystinuria (CSNU). Also called: CYSTINURIA, TYPE I; CYSTINURIA, TYPE II; CYSTINURIA, TYPE III; Cystinuria, non-type I. Identifiers: Orphanet 214, MedGen C0010691, MONDO:0009067, OMIM 220100, HP:0003131.

Allele frequency attached by ClinVar (database versions not stated): TOPMed 0.00004; ExAC 0.00007; gnomAD exomes 0.00008; ESP Exome Variant Server 0.00023.
gnomAD v4.1: 58 of 1,613,816 alleles (0.0036%); highest among the groups gnomAD compares: Non-Finnish European, 0.00068%; no homozygotes.

Submissions (3):

Fulgent Genetics
Classification: Uncertain significance for Cystinuria. Last evaluated: 2024-04-02. Review status: criteria provided, single submitter. Criteria: ACMG Guidelines, 2015. Collection method: clinical testing. Allele origin: germline.

Labcorp Genetics (formerly Invitae), Labcorp
Classification: Uncertain significance for Cystinuria. Last evaluated: 2022-01-21. Review status: criteria provided, single submitter. Criteria: Invitae Variant Classification Sherloc (09022015). Collection method: clinical testing. Allele origin: germline.
Comment: This sequence change replaces aspartic acid, which is acidic and polar, with histidine, which is basic and polar, at codon 338 of the SLC3A1 protein (p.Asp338His). This variant is present in population databases (rs140452488, gnomAD 0.2%). This variant has not been reported in the literature in individuals affected with SLC3A1-related conditions. ClinVar contains an entry for this variant (Variation ID: 336197). Algorithms developed to predict the effect of missense changes on protein structure and function are either unavailable or do not agree on the potential impact of this missense change (SIFT: "Deleterious"; PolyPhen-2: "Possibly Damaging"; Align-GVGD: "Class C0"). Algorithms developed to predict the effect of sequence changes on RNA splicing suggest that this variant may disrupt the consensus splice site. In summary, the available evidence is currently insufficient to determine the role of this variant in disease. Therefore, it has been classified as a Variant of Uncertain Significance.

Illumina Laboratory Services, Illumina
Classification: Uncertain significance for Cystinuria. Last evaluated: 2018-01-12. Review status: criteria provided, single submitter. Criteria: ICSL Variant Classification Criteria 13 December 2019. Collection method: clinical testing. Allele origin: germline.

NM_000341.4(SLC3A1):c.1012G>C (p.Asp338His)

Gene: SLC3A1 (solute carrier family 3 member 1; plus strand). Cytogenetic location: 2p21.
Variant type: single nucleotide variant.
Coding change: c.1012G>C on transcript NM_000341.4 (MANE Select); coding-DNA position 1012, G replaced by C.
Protein change: p.Asp338His; replaces aspartic acid 338 with histidine.
Molecular consequence: missense variant.
Genome position (GRCh38, 1-based): chr2:44,301,003, G>C. VCF-style: chr2-44301003-G-C. GRCh37 (hg19) VCF-style: chr2-44528142-G-C.
Other names: short protein forms D338H.
Identifiers: ClinVar variation 336197 (VCV000336197.7), dbSNP rs140452488, ClinGen allele CA1640379.